The following is an entry in ClinVar:

NM_004104.5(FASN):c.3102G>A (p.Leu1034=)

Gene: FASN (fatty acid synthase; minus strand). Cytogenetic location: 17q25.3.
Variant type: single nucleotide variant.
Coding change: c.3102G>A on transcript NM_004104.5 (MANE Select); coding-DNA position 3102, G replaced by A.
Protein change: p.Leu1034=; no amino-acid change (leucine 1034 retained).
Molecular consequence: synonymous variant.
Genome position (GRCh38, 1-based): chr17:82,087,446, C>T on the plus strand (G>A on the coding strand, the complement: FASN is on the minus strand). VCF-style: chr17-82087446-C-T. GRCh37 (hg19) VCF-style: chr17-80045322-C-T.
Identifiers: ClinVar variation 2648486 (VCV002648486.24), dbSNP rs1452768601, ClinGen allele CA502432536.

ClinVar aggregate classification (germline): Likely benign (1 of 4 stars; one submission).

Allele frequency attached by ClinVar (database versions not stated): gnomAD exomes below 0.00001; TOPMed below 0.00001.
gnomAD v4.1: 2 of 1,612,674 alleles (0.00012%); highest among the groups gnomAD compares: East Asian, 0.0045%; no homozygotes.

Submission:

CeGaT Center for Human Genetics Tuebingen
Classification: Likely benign. Last evaluated: 2022-09-01. Review status: criteria provided, single submitter. Criteria: CeGaT Center For Human Genetics Tuebingen Variant Classification Criteria Version 2. Collection method: clinical testing. Allele origin: germline. Affected: yes. Observed: 1 variant allele.
Comment: FASN: BP4, BP7